The following is an entry in ClinVar:

ClinVar aggregate classification (germline): Uncertain significance (1 of 4 stars; one submission).

Submission:

Labcorp Genetics (formerly Invitae), Labcorp
Classification: Uncertain significance. Last evaluated: 2023-12-25. Review status: criteria provided, single submitter. Criteria: Invitae Variant Classification Sherloc (09022015). Collection method: clinical testing. Allele origin: germline.
Comment: This sequence change replaces arginine, which is basic and polar, with tryptophan, which is neutral and slightly polar, at codon 334 of the PRDM13 protein (p.Arg334Trp). This variant is not present in population databases (gnomAD no frequency). This variant has not been reported in the literature in individuals affected with PRDM13-related conditions. An algorithm developed to predict the effect of missense changes on protein structure and function (PolyPhen-2) suggests that this variant is likely to be disruptive. In summary, the available evidence is currently insufficient to determine the role of this variant in disease. Therefore, it has been classified as a Variant of Uncertain Significance.

NM_021620.4(PRDM13):c.1000C>T (p.Arg334Trp)

Genes: PRDM13 (PR/SET domain 13; plus strand), LOC129996881 (ATAC-STARR-seq lymphoblastoid silent region 17422; plus strand). Cytogenetic location: 6q16.2.
Variant type: single nucleotide variant.
Coding change: c.1000C>T on transcript NM_021620.4 (MANE Select); coding-DNA position 1000, C replaced by T.
Protein change: p.Arg334Trp; replaces arginine 334 with tryptophan.
Molecular consequence: missense variant.
Genome position (GRCh38, 1-based): chr6:99,613,635, C>T. VCF-style: chr6-99613635-C-T. GRCh37 (hg19) VCF-style: chr6-100061511-C-T.
Other names: short protein forms R334W.
Identifiers: ClinVar variation 2705432 (VCV002705432.3), dbSNP rs2538545792, ClinGen allele CA365117467.